The following is an entry in ClinVar:

NM_003803.4(MYOM1):c.*138T>C

Gene: MYOM1 (myomesin 1; minus strand). Cytogenetic location: 18p11.31.
Variant type: single nucleotide variant.
Coding change: c.*138T>C on transcript NM_003803.4 (MANE Select); 138 bases downstream of the stop codon, T replaced by C.
Molecular consequence: 3 prime UTR variant.
Genome position (GRCh38, 1-based): chr18:3,067,124, A>G on the plus strand (T>C on the coding strand, the complement: MYOM1 is on the minus strand). VCF-style: chr18-3067124-A-G. GRCh37 (hg19) VCF-style: chr18-3067122-A-G.
Other names: c.*138T>C (NM_019856.2).
Identifiers: ClinVar variation 4813920 (VCV004813920.1).
Genomic context (GRCh38, chr18:3,067,124, plus strand): 5'-ACACATAATTTTGTAGATAAAGAAAAACAATTAAAGTGTCATTAGTTGGTGCTTTTTTAT[A>G]TGAGTGAAAGACCTGACATTATTTTCCCCTCAAGCCAGAAAATAATAGGGAGGAGAAAGC-3'

ClinVar aggregate classification (germline): Likely benign (1 of 4 stars; one submission).

gnomAD v4.1: 2,264 of 916,202 alleles (0.25%); highest among the groups gnomAD compares: African/African-American, 3.5%; 33 homozygotes.

Submission:

GeneDx
Classification: Likely benign. Last evaluated: 2020-09-15. Review status: criteria provided, single submitter. Criteria: GeneDx Variant Classification Process June 2021. Collection method: clinical testing. Allele origin: germline. Affected: yes.
Comment: See Variant Classification Assertion Criteria.